The following is an entry in ClinVar:

ClinVar aggregate classification (germline): Conflicting classifications of pathogenicity. Review status: criteria provided, conflicting classifications (1 of 4 stars). 5 submissions from 5 submitters: Uncertain significance (1); Benign (2); Likely benign (2). Last evaluated 2025-12-14.

Conditions:
Hereditary cancer-predisposing syndrome. Also called: Tumor predisposition; Neoplastic Syndromes, Hereditary; Hereditary Cancer Syndrome; Hereditary neoplastic syndrome. Identifiers: Orphanet 140162, MedGen C0027672, MeSH D009386, MONDO:0015356.
Tuberous sclerosis syndrome (TSC). Also called: Tuberous Sclerosis Complex; Tuberous sclerosis. Identifiers: Orphanet 805, MedGen C0041341, MONDO:0001734.
Tuberous sclerosis 2 (TSC2). Identifiers: Orphanet 805, MedGen C1860707, MONDO:0013199, OMIM 613254.

Allele frequency attached by ClinVar (database versions not stated): gnomAD exomes 0.00001; gnomAD 0.00003 and 0.00004; TOPMed 0.00003.
gnomAD v4.1: 5 of 1,612,938 alleles (0.00031%); highest among the groups gnomAD compares: African/African-American, 0.0067%; no homozygotes.

Submissions (5):

Labcorp Genetics (formerly Invitae), Labcorp
Classification: Benign for Tuberous sclerosis 2. Last evaluated: 2025-12-14. Review status: criteria provided, single submitter. Criteria: Invitae Variant Classification Sherloc (09022015). Collection method: clinical testing. Allele origin: germline.

Myriad Genetics, Inc.
Classification: Benign for Tuberous sclerosis 2. Last evaluated: 2025-05-28. Review status: criteria provided, single submitter. Criteria: Myriad Autosomal Dominant, Autosomal Recessive and X-Linked Classification Criteria (2023). Collection method: clinical testing. Allele origin: unknown.
Comment: This variant is considered benign. This variant is a silent/synonymous amino acid change and it is not expected to impact splicing.

Quest Diagnostics Nichols Institute San Juan Capistrano
Classification: Uncertain significance. Last evaluated: 2024-12-13. Review status: criteria provided, single submitter. Criteria: Quest Diagnostics criteria. Collection method: clinical testing. Allele origin: unknown.

Ambry Genetics
Classification: Likely benign for Hereditary cancer-predisposing syndrome. Last evaluated: 2022-11-04. Review status: criteria provided, single submitter. Criteria: Ambry Variant Classification Scheme 2023. Collection method: clinical testing. Allele origin: germline.

Color Diagnostics, LLC DBA Color Health
Classification: Likely benign for Tuberous sclerosis syndrome. Last evaluated: 2022-09-29. Review status: criteria provided, single submitter. Criteria: ACMG Guidelines, 2015. Collection method: clinical testing. Allele origin: germline.

NM_000548.5(TSC2):c.3181C>T (p.Leu1061=)

Gene: TSC2 (TSC complex subunit 2; plus strand). Cytogenetic location: 16p13.3.
Variant type: single nucleotide variant.
Coding change: c.3181C>T on transcript NM_000548.5 (MANE Select); coding-DNA position 3181, C replaced by T.
Protein change: p.Leu1061=; no amino-acid change (leucine 1061 retained).
Molecular consequence: synonymous variant.
Genome position (GRCh38, 1-based): chr16:2,079,325, C>T. VCF-style: chr16-2079325-C-T. GRCh37 (hg19) VCF-style: chr16-2129326-C-T.
Other names: c.3049C>T, p.Leu1017= (NM_001077183.3, NM_001370404.1); c.3181C>T, p.Leu1061= (NM_001114382.3); c.2941C>T, p.Leu981= (NM_001318827.2); c.2905C>T, p.Leu969= (NM_001318829.2); c.2449C>T, p.Leu817= (NM_001318831.2); c.3082C>T, p.Leu1028= (NM_001318832.2); c.3052C>T, p.Leu1018= (NM_001363528.2, NM_001370405.1, NM_021055.3).
Identifiers: ClinVar variation 406010 (VCV000406010.15), dbSNP rs946673791, ClinGen allele CA16614972.